The following is an entry in ClinVar:

NM_033026.6(PCLO):c.5695C>A (p.Gln1899Lys)

Gene: PCLO (piccolo presynaptic cytomatrix protein; minus strand). Cytogenetic location: 7q21.11.
Variant type: single nucleotide variant.
Coding change: c.5695C>A on transcript NM_033026.6 (MANE Select); coding-DNA position 5695, C replaced by A.
Protein change: p.Gln1899Lys; replaces glutamine 1899 with lysine.
Molecular consequence: missense variant.
Genome position (GRCh38, 1-based): chr7:82,955,258, G>T on the plus strand (C>A on the coding strand, the complement: PCLO is on the minus strand). VCF-style: chr7-82955258-G-T. GRCh37 (hg19) VCF-style: chr7-82584574-G-T.
Other names: c.5695C>A, p.Gln1899Lys (NM_014510.3); short protein forms Q1899K.
Identifiers: ClinVar variation 787586 (VCV000787586.36), dbSNP rs61995911, ClinGen allele CA4320600.
Genomic context (GRCh38, chr7:82,955,258, plus strand): 5'-CATACATCTCCTCAGCACTTTTTAACGCCTTTTGGCTACCTTCTTTCTGCATAATAGATT[G>T]CTCATCTGTTGGTGAGTATAATGAAACAGCTGTGGGCAATTTATAAACTTTTTGTACTTC-3'
Protein context (NP_149015.2, residues 1889-1909): AVSLYSPTDE[Gln1899Lys]SIMQKEGSQK

ClinVar aggregate classification (germline): Likely benign. Review status: criteria provided, multiple submitters, no conflicts (2 of 4 stars). 4 submissions from 4 submitters: Likely benign (3). 1 of the submissions does not count toward it. Last evaluated 2026-07-01.

Conditions:
PCLO-related disorder. Also called: PCLO-related condition.

Allele frequency attached by ClinVar (database versions not stated): 1000 Genomes Project 30x 0.00094; 1000 Genomes Project 0.00100; TOPMed 0.00235; gnomAD exomes 0.00259 and 0.00451; gnomAD 0.00280 and 0.00292; ExAC 0.00288; ESP Exome Variant Server 0.00370.
gnomAD v4.1: 6,942 of 1,613,256 alleles (0.43%); highest among the groups gnomAD compares: Non-Finnish European, 0.55%; 20 homozygotes.

Submissions (4):

CeGaT Center for Human Genetics Tuebingen
Classification: Likely benign. Last evaluated: 2026-07-01. Review status: criteria provided, single submitter. Criteria: CeGaT Center For Human Genetics Tuebingen Variant Classification Criteria Version 2. Collection method: clinical testing. Allele origin: germline. Affected: yes. Observed: 2 variant alleles.
Comment: PCLO: BP4, BS2

Labcorp Genetics (formerly Invitae), Labcorp
Classification: Likely benign. Last evaluated: 2026-01-31. Review status: criteria provided, single submitter. Criteria: Invitae Variant Classification Sherloc (09022015). Collection method: clinical testing. Allele origin: germline.

Breakthrough Genomics
Classification: Likely benign. Review status: criteria provided, single submitter. Criteria: ACMG Guidelines, 2015. Collection method: not provided. Allele origin: germline. Inheritance: Autosomal recessive inheritance. Affected: yes.

PreventionGenetics, part of Exact Sciences
Classification: Likely benign for PCLO-related condition. Last evaluated: 2023-05-31. Review status: no assertion criteria provided. Collection method: clinical testing. Allele origin: germline. Not counted in ClinVar's aggregate classification.
Comment: This variant is classified as likely benign based on ACMG/AMP sequence variant interpretation guidelines (Richards et al. 2015 PMID: 25741868, with internal and published modifications).